The following is an entry in ClinVar:

ClinVar aggregate classification (germline): Pathogenic. Review status: criteria provided, multiple submitters, no conflicts (2 of 4 stars). 2 submissions from 2 submitters: Pathogenic (2). Last evaluated 2025-08-29.

Conditions:
Hypophosphatasia. Also called: Phosphoethanol-aminuria. Identifiers: Orphanet 436, MedGen C0020630, MeSH D007014, MONDO:0018570.

Allele frequency attached by ClinVar (database versions not stated): gnomAD exomes below 0.00001; ExAC 0.00001.
gnomAD v4.1: 1 of 1,614,126 alleles (0.000062%); highest among the groups gnomAD compares: Admixed American, 0.0017%; no homozygotes.

Submissions (2):

Genomenon, Inc
Classification: Pathogenic for Hypophosphatasia. Last evaluated: 2025-08-29. Review status: criteria provided, single submitter. Criteria: Genomenon Sequence Variant Interpretation Standards. Collection method: curation. Allele origin: germline. Affected: yes.
Comment: ALPL p.Trp256Ter (c.768G>A) is a nonsense variant that introduces a premature stop codon at amino acid position 256, creating a truncated protein that is predicted to undergo nonsense-mediated mRNA decay. This variant has been observed in at least one proband affected with hypophosphatasia (PMID:32572521). A de novo occurrence of this variant has been observed in at least one affected individual (PMID:32572521). It is absent or not present at a significant frequency in gnomAD. In conclusion, we classify ALPL p.Trp256Ter (c.768G>A) as a pathogenic variant.

JKU Lab, Dept of Paediatrics, Johannes Kepler University
Classification: Pathogenic for Hypophosphatasia. Last evaluated: 2023-04-25. Review status: criteria provided, single submitter. Criteria: ACMG Guidelines, 2015. Collection method: clinical testing. Allele origin: germline. Affected: yes. Observed: 1 compound heterozygote.
Comment: GnomAD ƒ = 0.00000398. The ACMG criteria applied can be looked up in the ALPL gene variant database.

Literature cited by the submitters: PubMed 32572521 (cited by Genomenon, Inc and JKU Lab, Dept of Paediatrics, Johannes Kepler University).

NM_000478.6(ALPL):c.768G>A (p.Trp256Ter)

Gene: ALPL (alkaline phosphatase, biomineralization associated; plus strand). Cytogenetic location: 1p36.12.
Variant type: single nucleotide variant.
Coding change: c.768G>A on transcript NM_000478.6 (MANE Select); coding-DNA position 768, G replaced by A.
Protein change: p.Trp256Ter; replaces tryptophan 256 with a stop codon.
Molecular consequence: nonsense.
Genome position (GRCh38, 1-based): chr1:21,568,223, G>A. VCF-style: chr1-21568223-G-A. GRCh37 (hg19) VCF-style: chr1-21894716-G-A.
Other names: c.603G>A, p.Trp201Ter (NM_001127501.4); c.537G>A, p.Trp179Ter (NM_001177520.3); c.768G>A, p.Trp256Ter (NM_001369803.2, NM_001369804.2, NM_001369805.2); short protein forms W179*, W201*, W256*.
Identifiers: ClinVar variation 2671812 (VCV002671812.2), dbSNP rs760649979, ClinGen allele CA666598.
Genomic context (GRCh38, chr1:21,568,223, plus strand): 5'-TGAGAGTGACGAGAAAGCCAGGGGCACGAGGCTGGACGGCCTGGACCTCGTTGACACCTG[G>A]AAGAGCTTCAAACCGAGATACAAGGTAGCCTGTGCTGGGGCCATGTGGCTGCAGAGGTGG-3'